The following is an entry in ClinVar:

ClinVar aggregate classification (germline): Uncertain significance (1 of 4 stars; one submission).

gnomAD v4.1: 11 of 1,596,980 alleles (0.00069%); highest among the groups gnomAD compares: Middle Eastern, 0.017%; no homozygotes.

Submission:

Women's Health and Genetics/Laboratory Corporation of America, LabCorp
Classification: Uncertain significance. Last evaluated: 2026-06-15. Review status: criteria provided, single submitter. Criteria: LabCorp Variant Classification Summary - May 2015. Collection method: clinical testing. Allele origin: germline.
Comment: Variant summary: SRCAP c.8263G>T (p.Val2755Leu) results in a conservative amino acid change in the encoded protein sequence. Algorithms developed to predict the effect of missense changes on protein structure and function all suggest that this variant is likely to be tolerated. The variant allele was found at a frequency of 1.3e-05 in 236996 control chromosomes. The available data on variant occurrences in the general population are insufficient to allow any conclusion about variant significance. To our knowledge, no occurrence of c.8263G>T in individuals affected with SRCAP-related conditions and no experimental evidence demonstrating its impact on protein function have been reported. No submitters have cited clinical-significance assessments for this variant to ClinVar. Based on the evidence outlined above, the variant was classified as uncertain significance.

NM_006662.3(SRCAP):c.8263G>T (p.Val2755Leu)

Gene: SRCAP (Snf2 related CREBBP activator protein; plus strand). Cytogenetic location: 16p11.2.
Variant type: single nucleotide variant.
Coding change: c.8263G>T on transcript NM_006662.3 (MANE Select); coding-DNA position 8263, G replaced by T.
Protein change: p.Val2755Leu; replaces valine 2755 with leucine.
Molecular consequence: missense variant.
Genome position (GRCh38, 1-based): chr16:30,738,303, G>T. VCF-style: chr16-30738303-G-T. GRCh37 (hg19) VCF-style: chr16-30749624-G-T.
Other names: short protein forms V2755L.
Identifiers: ClinVar variation 4887221 (VCV004887221.1).